The following is an entry in ClinVar:

NM_002880.4(RAF1):c.1296C>A (p.His432Gln)

Gene: RAF1 (Raf-1 proto-oncogene, serine/threonine kinase; minus strand). Cytogenetic location: 3p25.2.
Variant type: single nucleotide variant.
Coding change: c.1296C>A on transcript NM_002880.4 (MANE Select); coding-DNA position 1296, C replaced by A.
Protein change: p.His432Gln; replaces histidine 432 with glutamine.
Molecular consequence: missense variant. On other transcripts: non-coding transcript variant (3).
Genome position (GRCh38, 1-based): chr3:12,590,872, G>T on the plus strand (C>A on the coding strand, the complement: RAF1 is on the minus strand). VCF-style: chr3-12590872-G-T. GRCh37 (hg19) VCF-style: chr3-12632371-G-T.
Other names: c.1356C>A, p.His452Gln (NM_001354689.3); c.1296C>A, p.His432Gln (NM_001354690.3); c.1053C>A, p.His351Gln (NM_001354691.3, NM_001354692.3); c.1197C>A, p.His399Gln (NM_001354693.3); c.1113C>A, p.His371Gln (NM_001354694.3); c.954C>A, p.His318Gln (NM_001354695.3); short protein forms H318Q, H351Q, H371Q, H399Q, H432Q, H452Q.
Identifiers: ClinVar variation 3391274 (VCV003391274.1).
Genomic context (GRCh38, chr3:12,590,872, plus strand): 5'-CGTCTGCCGGGCAATGTCAATTAGCTGGAACATCTGAAACTTGGTCTCCTGGACATGCAG[G>T]TGTTTGTAGAGGCTGCTGCCCTCGCACCACTGGGTCACAATTGCCAGGTTGTCCTTTGTC-3'
Protein context (NP_002871.1, residues 422-442): QWCEGSSLYK[His432Gln]LHVQETKFQM

ClinVar aggregate classification (germline): Uncertain significance (1 of 4 stars; one submission).

Conditions:
Noonan syndrome 5 (NS5). Also called: RAF1-Related Noonan Syndrome. Identifiers: Orphanet 648, MedGen C1969057, MONDO:0012690, OMIM 611553. Disease mechanism: gain of function.

gnomAD v4.1: 1 of 1,613,682 alleles (0.000062%); highest among the groups gnomAD compares: Non-Finnish European, 0.000085%; no homozygotes.

Submission:

Neuberg Centre For Genomic Medicine, NCGM
Classification: Uncertain significance for Noonan syndrome 5. Review status: criteria provided, single submitter. Criteria: ACMG Guidelines, 2015. Collection method: clinical testing. Allele origin: germline. Inheritance: Autosomal dominant inheritance. Affected: yes.
Comment: The observed missense variant c.1356C>Ap.His452Gln in the RAF1 gene has not been reported previously as a pathogenic variant nor as a benign variant, to our knowledge. This variant is absent in the gnomAD Exomes. The amino acid His at position 452 is changed to a Gln changing protein sequence and it might alter its composition and physico-chemical properties. Multiple lines of computational evidence Polyphen - Damaging, SIFT - Damaging and MutationTaster - Disease causing predict a damaging effect on protein structure and function for this variant. The residue is conserved by GERP++ and PhyloP across 100 vertebrates. For these reasons, this variant has been classified as Uncertain Significance.